The following is an entry in ClinVar:

ClinVar aggregate classification (germline): Uncertain significance. Review status: criteria provided, multiple submitters, no conflicts (2 of 4 stars). 8 submissions from 6 submitters: Uncertain significance (8). Last evaluated 2025-08-01.

Conditions:
Charcot-Marie-Tooth disease axonal type 2X. Also called: CHARCOT-MARIE-TOOTH DISEASE, AXONAL, AUTOSOMAL RECESSIVE, TYPE 2X; CHARCOT-MARIE-TOOTH NEUROPATHY, TYPE 2X. Identifiers: Orphanet 466775, MedGen C5569024, MONDO:0014726, OMIM 616668.
Amyotrophic lateral sclerosis type 5 (ALS5). Also called: AMYOTROPHIC LATERAL SCLEROSIS 5, JUVENILE. Identifiers: Orphanet 300605, MedGen C1865864, MONDO:0011196, OMIM 602099.
Hereditary spastic paraplegia 11. Also called: SPASTIC PARAPLEGIA, AUTOSOMAL RECESSIVE, COMPLICATED, WITH THIN CORPUS CALLOSUM; SPASTIC PARAPLEGIA, AUTOSOMAL RECESSIVE, WITH MENTAL IMPAIRMENT AND THIN CORPUS CALLOSUM; Spastic Paraplegia 11; Nakamura Osame syndrome; Autosomal recessive hereditary spastic paraplegia, mental impairment, and thin corpus callosum; Spastic paraplegia, mental retardation and thin corpus callosum. Identifiers: Orphanet 2822, MedGen C1858479, MONDO:0011445, OMIM 604360.

Allele frequency attached by ClinVar (database versions not stated): ExAC below 0.00001; gnomAD 0.00002; TOPMed 0.00002; gnomAD exomes 0.00003 and 0.00011; ESP Exome Variant Server 0.00008.
gnomAD v4.1: 163 of 1,596,290 alleles (0.01%); highest among the groups gnomAD compares: Non-Finnish European, 0.013%; no homozygotes.

Submissions (8):

Athena Diagnostics
Classification: Uncertain significance. Last evaluated: 2025-08-01. Review status: criteria provided, single submitter. Criteria: Athena Diagnostics Criteria. Collection method: clinical testing. Allele origin: unknown.
Comment: Available data are insufficient to determine the clinical significance of the variant at this time. The frequency of this variant in the general population is uninformative in assessment of its pathogenicity. Polyphen and MutationTaster predict this amino acid change may be damaging to the protein.

GeneDx
Classification: Uncertain significance. Last evaluated: 2025-05-08. Review status: criteria provided, single submitter. Criteria: GeneDx Variant Classification Process June 2021. Collection method: clinical testing. Allele origin: germline. Affected: yes.
Comment: Not observed at significant frequency in large population cohorts (gnomAD); In silico analysis supports that this missense variant has a deleterious effect on protein structure/function; Has not been previously published as pathogenic or benign to our knowledge

CeGaT Center for Human Genetics Tuebingen
Classification: Uncertain significance. Last evaluated: 2025-02-01. Review status: criteria provided, single submitter. Criteria: CeGaT Center For Human Genetics Tuebingen Variant Classification Criteria Version 2. Collection method: clinical testing. Allele origin: germline. Affected: yes. Observed: 2 variant alleles.
Comment: SPG11: PM2, PP3

Blueprint Genetics
Classification: Uncertain significance. Last evaluated: 2023-06-14. Review status: criteria provided, single submitter. Criteria: ACMG Guidelines, 2015. Collection method: clinical testing. Allele origin: germline.

Labcorp Genetics (formerly Invitae), Labcorp
Classification: Uncertain significance for Hereditary spastic paraplegia 11. Last evaluated: 2022-02-22. Review status: criteria provided, single submitter. Criteria: Invitae Variant Classification Sherloc (09022015). Collection method: clinical testing. Allele origin: germline.
Comment: This sequence change replaces isoleucine, which is neutral and non-polar, with threonine, which is neutral and polar, at codon 2166 of the SPG11 protein (p.Ile2166Thr). This variant is present in population databases (rs199873327, gnomAD 0.005%). This variant has not been reported in the literature in individuals affected with SPG11-related conditions. ClinVar contains an entry for this variant (Variation ID: 466557). Algorithms developed to predict the effect of missense changes on protein structure and function are either unavailable or do not agree on the potential impact of this missense change (SIFT: "Deleterious"; PolyPhen-2: "Possibly Damaging"; Align-GVGD: "Class C0"). In summary, the available evidence is currently insufficient to determine the role of this variant in disease. Therefore, it has been classified as a Variant of Uncertain Significance.

Genome-Nilou Lab
Classification: Uncertain significance for Amyotrophic lateral sclerosis type 5. Review status: criteria provided, single submitter. Criteria: ACMG Guidelines, 2015. Collection method: clinical testing. Allele origin: germline.

Genome-Nilou Lab
Classification: Uncertain significance for Charcot-Marie-Tooth disease axonal type 2X. Review status: criteria provided, single submitter. Criteria: ACMG Guidelines, 2015. Collection method: clinical testing. Allele origin: germline.

Genome-Nilou Lab
Classification: Uncertain significance for Hereditary spastic paraplegia 11. Review status: criteria provided, single submitter. Criteria: ACMG Guidelines, 2015. Collection method: clinical testing. Allele origin: germline.

Literature cited by the submitters: PubMed 23881933 (cited by Athena Diagnostics).

NM_025137.4(SPG11):c.6497T>C (p.Ile2166Thr)

Gene: SPG11 (SPG11 vesicle trafficking associated, spatacsin; minus strand). Cytogenetic location: 15q21.1.
Variant type: single nucleotide variant.
Coding change: c.6497T>C on transcript NM_025137.4 (MANE Select); coding-DNA position 6497, T replaced by C.
Protein change: p.Ile2166Thr; replaces isoleucine 2166 with threonine.
Molecular consequence: missense variant.
Genome position (GRCh38, 1-based): chr15:44,569,486, A>G on the plus strand (T>C on the coding strand, the complement: SPG11 is on the minus strand). VCF-style: chr15-44569486-A-G. GRCh37 (hg19) VCF-style: chr15-44861684-A-G.
Other names: c.6158T>C, p.Ile2053Thr (NM_001160227.2); short protein forms I2166T, I2053T.
Identifiers: ClinVar variation 466557 (VCV000466557.43), dbSNP rs199873327, ClinGen allele CA7534096.